The following is an entry in ClinVar:

ClinVar aggregate classification (germline): Benign/Likely benign. Review status: criteria provided, multiple submitters, no conflicts (2 of 4 stars). 5 submissions from 5 submitters: Benign (1); Likely benign (3). 1 of the submissions does not count toward it. Last evaluated 2025-11-11.

Conditions:
46,XY sex reversal 9 (SRXY9). Also called: 46,XY SEX REVERSAL, ZFPM2-RELATED. Identifiers: Orphanet 251510, MedGen C4015129, MONDO:0014480, OMIM 616067.
ZFPM2-related disorder. Also called: ZFPM2-related condition.

Allele frequency attached by ClinVar (database versions not stated): ESP Exome Variant Server 0.00008; gnomAD 0.00017 and 0.00019; TOPMed 0.00028; ExAC 0.00029.
gnomAD v4.1: 326 of 1,610,842 alleles (0.02%); highest among the groups gnomAD compares: Admixed American, 0.11%; no homozygotes.

Submissions (5):

Labcorp Genetics (formerly Invitae), Labcorp
Classification: Benign for 46,XY sex reversal 9. Last evaluated: 2025-11-11. Review status: criteria provided, single submitter. Criteria: Invitae Variant Classification Sherloc (09022015). Collection method: clinical testing. Allele origin: germline.

Blueprint Genetics
Classification: Likely benign. Last evaluated: 2024-11-05. Review status: criteria provided, single submitter. Criteria: ACMG Guidelines, 2015. Collection method: clinical testing. Allele origin: germline.

Genetic Services Laboratory, University of Chicago
Classification: Likely benign. Last evaluated: 2020-10-20. Review status: criteria provided, single submitter. Criteria: ACMG Guidelines, 2015. Collection method: clinical testing. Allele origin: germline. Affected: no.

Breakthrough Genomics
Classification: Likely benign. Review status: criteria provided, single submitter. Criteria: ACMG Guidelines, 2015. Collection method: not provided. Allele origin: germline. Inheritance: Autosomal dominant inheritance. Affected: yes.

PreventionGenetics, part of Exact Sciences
Classification: Likely benign for ZFPM2-related condition. Last evaluated: 2019-07-18. Review status: no assertion criteria provided. Collection method: clinical testing. Allele origin: germline. Not counted in ClinVar's aggregate classification.
Comment: This variant is classified as likely benign based on ACMG/AMP sequence variant interpretation guidelines (Richards et al. 2015 PMID: 25741868, with internal and published modifications).

NM_012082.4(ZFPM2):c.2490A>T (p.Ile830=)

Genes: ZFPM2 (zinc finger protein, FOG family member 2; plus strand), ZFPM2-AS1 (ZFPM2 antisense RNA 1; minus strand), LOC126860469 (BRD4-independent group 4 enhancer GRCh37_chr8:106814445-106815644; plus strand). Cytogenetic location: 8q23.1.
Variant type: single nucleotide variant.
Coding change: c.2490A>T on transcript NM_012082.4 (MANE Select); coding-DNA position 2490, A replaced by T.
Protein change: p.Ile830=; no amino-acid change (isoleucine 830 retained).
Molecular consequence: synonymous variant.
Genome position (GRCh38, 1-based): chr8:105,802,572, A>T. VCF-style: chr8-105802572-A-T. GRCh37 (hg19) VCF-style: chr8-106814800-A-T.
Other names: c.2331A>T, p.Ile777= (NM_001362836.2); c.2094A>T, p.Ile698= (NM_001362837.2).
Identifiers: ClinVar variation 697278 (VCV000697278.16), dbSNP rs368201603, ClinGen allele CA4839917.